The following is an entry in ClinVar:

NM_001128840.3(CACNA1D):c.206_208delinsCCCCCCTCT (p.Met69_Ser70delinsThrProLeuCys)

Gene: CACNA1D (calcium voltage-gated channel subunit alpha1 D; plus strand). Cytogenetic location: 3p21.1.
Variant type: Indel.
Coding change: c.206_208delinsCCCCCCTCT on transcript NM_001128840.3 (MANE Select); coding-DNA positions 206 to 208, TGA replaced by CCCCCCTCT.
Protein change: p.Met69_Ser70delinsThrProLeuCys.
Molecular consequence: inframe indel.
Genome position (GRCh38, 1-based): chr3:53,497,290-53,497,292, TGA replaced by CCCCCCTCT. VCF-style: chr3-53497290-TGA-CCCCCCTCT. GRCh37 (hg19) VCF-style: chr3-53531317-TGA-CCCCCCTCT.
Other names: c.206_208delinsCCCCCCTCT, p.Met69_Ser70delinsThrProLeuCys (NM_000720.4, NM_001128839.3).
Identifiers: ClinVar variation 1699655 (VCV001699655.2), dbSNP rs2107070839, ClinGen allele CA2580070248.

ClinVar aggregate classification (germline): Uncertain significance (1 of 4 stars; one submission).

Submission:

GeneDx
Classification: Uncertain significance. Last evaluated: 2022-01-28. Review status: criteria provided, single submitter. Criteria: GeneDx Variant Classification Process June 2021. Collection method: clinical testing. Allele origin: germline. Affected: yes.
Comment: Has not been previously published as pathogenic or benign to our knowledge; Not observed at significant frequency in large population cohorts (gnomAD); In-frame deletion of 1 amino acid and insertion of 4 amino acids in a non-repeat region; In silico analysis supports a deleterious effect on protein structure/function